The following is an entry in ClinVar:

ClinVar aggregate classification (germline): Likely pathogenic (1 of 4 stars; one submission).

Conditions:
KPTN-related disorder. Also called: KPTN-related condition. Identifiers: MedGen CN381532.

Submission:

PreventionGenetics, part of Exact Sciences
Classification: Likely pathogenic for KPTN-related condition. Last evaluated: 2025-08-23. Review status: criteria provided, single submitter. Criteria: ACMG Guidelines, 2015. Collection method: clinical testing. Allele origin: germline.
Comment: The KPTN c.773_783del11 variant is predicted to result in a frameshift and premature protein termination (p.Leu258Glnfs*11). To our knowledge, this variant has not been reported in the literature. This variant is reported in 0.0029% of alleles in individuals of Latino descent in gnomAD. Frameshift variants in KPTN are expected to be pathogenic. This variant is interpreted as likely pathogenic.

NM_007059.4(KPTN):c.773_783del (p.Leu258fs)

Gene: KPTN (kaptin, actin binding protein; minus strand). Cytogenetic location: 19q13.32.
Variant type: Deletion.
Coding change: c.773_783del on transcript NM_007059.4 (MANE Select); coding-DNA positions 773 to 783, 11 bases deleted (TCTCGGCCGCC).
Protein change: p.Leu258fs; shifts the reading frame from leucine 258.
Molecular consequence: frameshift variant. On other transcripts: non-coding transcript variant (1).
Genome position (GRCh38, 1-based): chr19:47,479,867-47,479,877, GGCGGCCGAGA deleted on the plus strand (TCTCGGCCGCC on the coding strand, the reverse complement: KPTN is on the minus strand); deleting any 11 consecutive bases within chr19:47,479,867-47,479,880 gives the same sequence; the c. name uses the placement nearest the transcript's 3' end. VCF-style (leftmost placement, unchanged base first): chr19-47479866-TGGCGGCCGAGA-T. GRCh37 (hg19) VCF-style: chr19-47983123-TGGCGGCCGAGA-T.
Other names: c.605_615del, p.Leu202fs (NM_001291296.2); short protein forms L258fs, L202fs.
Identifiers: ClinVar variation 4988287 (VCV004988287.1).